The following is an entry in ClinVar:

NM_001849.4(COL6A2):c.148G>T (p.Val50Leu)

Gene: COL6A2 (collagen type VI alpha 2 chain; plus strand). Cytogenetic location: 21q22.3.
Variant type: single nucleotide variant.
Coding change: c.148G>T on transcript NM_001849.4 (MANE Select); coding-DNA position 148, G replaced by T.
Protein change: p.Val50Leu; replaces valine 50 with leucine.
Molecular consequence: missense variant.
Genome position (GRCh38, 1-based): chr21:46,112,011, G>T. VCF-style: chr21-46112011-G-T. GRCh37 (hg19) VCF-style: chr21-47531925-G-T.
Other names: c.148G>T, p.Val50Leu (NM_058174.3, NM_058175.3); short protein forms V50L.
Identifiers: ClinVar variation 1719174 (VCV001719174.6), dbSNP rs727502826, ClinGen allele CA410520024.

ClinVar aggregate classification (germline): Uncertain significance (1 of 4 stars; one submission).

Conditions:
Bethlem myopathy 1A. Also called: MYOPATHY, BENIGN CONGENITAL, WITH CONTRACTURES; Bethlem Muscular Dystrophy; Bethlem myopathy 1. Identifiers: Orphanet 610, MedGen CN029274, MONDO:0024530, OMIM 158810.

Submission:

Labcorp Genetics (formerly Invitae), Labcorp
Classification: Uncertain significance for Bethlem myopathy 1A. Last evaluated: 2022-09-10. Review status: criteria provided, single submitter. Criteria: Invitae Variant Classification Sherloc (09022015). Collection method: clinical testing. Allele origin: germline.
Comment: Advanced modeling of protein sequence and biophysical properties (such as structural, functional, and spatial information, amino acid conservation, physicochemical variation, residue mobility, and thermodynamic stability) performed at Invitae indicates that this missense variant is not expected to disrupt COL6A2 protein function. In summary, the available evidence is currently insufficient to determine the role of this variant in disease. Therefore, it has been classified as a Variant of Uncertain Significance. This variant has not been reported in the literature in individuals affected with COL6A2-related conditions. This variant is not present in population databases (gnomAD no frequency). This sequence change replaces valine, which is neutral and non-polar, with leucine, which is neutral and non-polar, at codon 50 of the COL6A2 protein (p.Val50Leu).